The following is an entry in ClinVar:

ClinVar aggregate classification (germline): Likely benign. Review status: criteria provided, multiple submitters, no conflicts (2 of 4 stars). 3 submissions from 3 submitters: Likely benign (3). Last evaluated 2025-08-19.

Conditions:
Renal cell carcinoma. Identifiers: Orphanet 217071, MedGen C0007134, MeSH D002292, MONDO:0005086, HP:0005584.
Hereditary cancer-predisposing syndrome. Also called: Neoplastic Syndromes, Hereditary; Tumor predisposition; Hereditary neoplastic syndrome; Hereditary Cancer Syndrome. Identifiers: Orphanet 140162, MedGen C0027672, MeSH D009386, MONDO:0015356.
Papillary renal cell carcinoma type 1 (RCCP1). Also called: Renal adenocarcinoma; Renal cell carcinoma 1; Renal cell carcinoma, somatic; RENAL CELL CARCINOMA, PAPILLARY, 1, SOMATIC. Identifiers: Orphanet 47044, MedGen C1336839, OMIM 605074, HP:0011797.

Allele frequency attached by ClinVar (database versions not stated): TOPMed 0.00001.
gnomAD v4.1: 2 of 1,613,924 alleles (0.00012%); highest among the groups gnomAD compares: East Asian, 0.0022%; no homozygotes.

Submissions (3):

Ambry Genetics
Classification: Likely benign for Hereditary cancer-predisposing syndrome. Last evaluated: 2025-08-19. Review status: criteria provided, single submitter. Criteria: Ambry Variant Classification Scheme 2023. Collection method: clinical testing. Allele origin: germline.

Myriad Genetics, Inc.
Classification: Likely benign for Papillary renal cell carcinoma type 1. Last evaluated: 2024-11-14. Review status: criteria provided, single submitter. Criteria: Myriad Autosomal Dominant, Autosomal Recessive and X-Linked Classification Criteria (2023). Collection method: clinical testing. Allele origin: unknown.
Comment: This variant is considered likely benign. This variant is intronic and is not expected to impact mRNA splicing.

Labcorp Genetics (formerly Invitae), Labcorp
Classification: Likely benign for Renal cell carcinoma. Last evaluated: 2024-08-05. Review status: criteria provided, single submitter. Criteria: Invitae Variant Classification Sherloc (09022015). Collection method: clinical testing. Allele origin: germline.

NM_000245.4(MET):c.3633-4G>A

Gene: MET (MET proto-oncogene, receptor tyrosine kinase; plus strand). Cytogenetic location: 7q31.2.
Variant type: single nucleotide variant.
Coding change: c.3633-4G>A on transcript NM_000245.4 (MANE Select); 4 bases into the intron before coding-DNA position 3633, G replaced by A.
Molecular consequence: intron variant.
Genome position (GRCh38, 1-based): chr7:116,783,300, G>A. VCF-style: chr7-116783300-G-A. GRCh37 (hg19) VCF-style: chr7-116423354-G-A.
Other names: c.3687-4G>A (NM_001127500.3); c.2343-4G>A (NM_001324402.2).
Identifiers: ClinVar variation 824068 (VCV000824068.15), dbSNP rs1477354447, ClinGen allele CA832021001.
Genomic context (GRCh38, chr7:116,783,300, plus strand): 5'-TATTCAGCATCATTGTAAATTATTCTATTTCAGCCACGGGTAATAATTTTTGTCCTTTCT[G>A]TAGGCTGGATGAAAAATTCACAGTCAAGGTTGCTGATTTTGGTCTTGCCAGAGACATGTA-3'